The following is an entry in ClinVar:

NM_022725.4(FANCF):c.838G>A (p.Asp280Asn)

Gene: FANCF (FA complementation group F; minus strand). Cytogenetic location: 11p14.3.
Variant type: single nucleotide variant.
Coding change: c.838G>A on transcript NM_022725.4 (MANE Select); coding-DNA position 838, G replaced by A.
Protein change: p.Asp280Asn; replaces aspartic acid 280 with asparagine.
Molecular consequence: missense variant.
Genome position (GRCh38, 1-based): chr11:22,624,973, C>T on the plus strand (G>A on the coding strand, the complement: FANCF is on the minus strand). VCF-style: chr11-22624973-C-T. GRCh37 (hg19) VCF-style: chr11-22646519-C-T.
Other names: short protein forms D280N.
Identifiers: ClinVar variation 2081425 (VCV002081425.2), dbSNP rs1858619295, ClinGen allele CA380058234.
Genomic context (GRCh38, chr11:22,624,973, plus strand): 5'-GGGACTCAGTTCCAACCCAAATGCCTTTCTGAAGGTCATAGTGCAAACGTTGACCCCAGT[C>T]TGTTAGCAGACCCAGATAGACAGGAGACAGCGCTGGGTGGCGGCTAGTCACTAAAGTCAA-3'
Protein context (NP_073562.1, residues 270-290): LSPVYLGLLT[Asp280Asn]WGQRLHYDLQ

ClinVar aggregate classification (germline): Uncertain significance (1 of 4 stars; one submission).

Conditions:
Fanconi anemia (FA). Also called: Fanconi's anemia. Identifiers: Orphanet 84, MedGen C0015625, MeSH D005199, MONDO:0019391.

Submission:

Labcorp Genetics (formerly Invitae), Labcorp
Classification: Uncertain significance for Fanconi anemia. Last evaluated: 2022-02-07. Review status: criteria provided, single submitter. Criteria: Invitae Variant Classification Sherloc (09022015). Collection method: clinical testing. Allele origin: germline.
Comment: This sequence change replaces aspartic acid, which is acidic and polar, with asparagine, which is neutral and polar, at codon 280 of the FANCF protein (p.Asp280Asn). This variant is not present in population databases (gnomAD no frequency). In summary, the available evidence is currently insufficient to determine the role of this variant in disease. Therefore, it has been classified as a Variant of Uncertain Significance. Algorithms developed to predict the effect of missense changes on protein structure and function output the following: SIFT: "Tolerated"; PolyPhen-2: "Benign"; Align-GVGD: "Class C0". The asparagine amino acid residue is found in multiple mammalian species, which suggests that this missense change does not adversely affect protein function. This variant has not been reported in the literature in individuals affected with FANCF-related conditions.